The following is an entry in ClinVar:

NM_001220.5(CAMK2B):c.65+2T>G

Gene: CAMK2B (calcium/calmodulin dependent protein kinase II beta; minus strand). Cytogenetic location: 7p13.
Variant type: single nucleotide variant.
Coding change: c.65+2T>G on transcript NM_001220.5 (MANE Select); the canonical splice donor site of the intron after coding-DNA position 65, T replaced by G.
Molecular consequence: splice donor variant.
Genome position (GRCh38, 1-based): chr7:44,325,355, A>C on the plus strand (T>G on the coding strand, the complement: CAMK2B is on the minus strand). VCF-style: chr7-44325355-A-C. GRCh37 (hg19) VCF-style: chr7-44364954-A-C.
Other names: c.65+2T>G (NM_172084.3, NM_172080.3, NM_172083.3 and 5 more transcripts).
Identifiers: ClinVar variation 4881363 (VCV004881363.2).

ClinVar aggregate classification (germline): Uncertain significance (1 of 4 stars; one submission).

Conditions:
Intellectual developmental disorder, autosomal dominant 54. Also called: MENTAL RETARDATION, AUTOSOMAL DOMINANT 54; Intellectual disability, autosomal dominant 54. Identifiers: MedGen C4540484, MONDO:0030920, OMIM 617799.

Submission:

Dasa
Classification: Uncertain significance for Intellectual developmental disorder, autosomal dominant 54. Last evaluated: 2024-12-02. Review status: criteria provided, single submitter. Criteria: DASA Assertion Criteria. Collection method: clinical testing. Allele origin: germline.
Comment: NM_001220.5(CAMK2B):c.65+2T>G affects a canonical splice site and is predicted to disrupt normal RNA splicing. This variant is absent from population databases. The currently available literature and clinical evidence are not sufficient to establish a definitive association between this variant and the reported condition. Therefore, this variant is classified as a variant of uncertain significance.